The following is an entry in ClinVar:

ClinVar aggregate classification (germline): Uncertain significance (1 of 4 stars; one submission).

Submission:

Labcorp Genetics (formerly Invitae), Labcorp
Classification: Uncertain significance. Last evaluated: 2024-09-20. Review status: criteria provided, single submitter. Criteria: Invitae Variant Classification Sherloc (09022015). Collection method: clinical testing. Allele origin: germline.
Comment: This sequence change replaces glycine, which is neutral and non-polar, with aspartic acid, which is acidic and polar, at codon 233 of the FAR1 protein (p.Gly233Asp). This variant is not present in population databases (gnomAD no frequency). This variant has not been reported in the literature in individuals affected with FAR1-related conditions. Invitae Evidence Modeling of protein sequence and biophysical properties (such as structural, functional, and spatial information, amino acid conservation, physicochemical variation, residue mobility, and thermodynamic stability) indicates that this missense variant is expected to disrupt FAR1 protein function with a positive predictive value of 80%. In summary, the available evidence is currently insufficient to determine the role of this variant in disease. Therefore, it has been classified as a Variant of Uncertain Significance.

NM_032228.6(FAR1):c.698G>A (p.Gly233Asp)

Gene: FAR1 (fatty acyl-CoA reductase 1; plus strand). Cytogenetic location: 11p15.3.
Variant type: single nucleotide variant.
Coding change: c.698G>A on transcript NM_032228.6 (MANE Select); coding-DNA position 698, G replaced by A.
Protein change: p.Gly233Asp; replaces glycine 233 with aspartic acid.
Molecular consequence: missense variant.
Genome position (GRCh38, 1-based): chr11:13,710,845, G>A. VCF-style: chr11-13710845-G-A. GRCh37 (hg19) VCF-style: chr11-13732392-G-A.
Other names: short protein forms G233D.
Identifiers: ClinVar variation 3693141 (VCV003693141.2).
Genomic context (GRCh38, chr11:13,710,845, plus strand): 5'-ATGTTGTACAACAAGAAGGAGCAAAACTAAATGTGGCAATTGTAAGGCCATCGATTGTTG[G>A]TGCCAGTTGGAAAGAACCTTTTCCAGTAAGTTGTTAGAAACCTTTATAAATAACTGGAGT-3'
Protein context (NP_115604.1, residues 223-243): NVAIVRPSIV[Gly233Asp]ASWKEPFPGW